The following is an entry in ClinVar:

ClinVar aggregate classification (germline): Conflicting classifications of pathogenicity. Review status: criteria provided, conflicting classifications (1 of 4 stars). 4 submissions from 4 submitters: Uncertain significance (1); Likely benign (2). 1 of the submissions does not count toward it. Last evaluated 2025-01-27.

Conditions:
CACNA1S-related disorder. Also called: CACNA1S-related condition.
Malignant hyperthermia, susceptibility to, 5 (MHS5). Also called: CACNA1S-Related Malignant Hyperthermia Susceptibility. Identifiers: Orphanet 423, MedGen C1866077, MONDO:0011163, OMIM 601887.
Hypokalemic periodic paralysis, type 1. Also called: Hypokalemic Periodic Paralysis Type 1 (AD); HypoPP. Identifiers: Orphanet 681, MedGen C3714580, MONDO:0042979, OMIM 170400.

Allele frequency attached by ClinVar (database versions not stated): gnomAD 0.00016; TOPMed 0.00018; ESP Exome Variant Server 0.00023; 1000 Genomes Project 30x 0.00031; 1000 Genomes Project 0.00040.
gnomAD v4.1: 127 of 1,605,782 alleles (0.0079%); highest among the groups gnomAD compares: African/African-American, 0.055%; 3 homozygotes.

Submissions (4):

Labcorp Genetics (formerly Invitae), Labcorp
Classification: Uncertain significance for Hypokalemic periodic paralysis, type 1; Malignant hyperthermia, susceptibility to, 5. Last evaluated: 2025-01-27. Review status: criteria provided, single submitter. Criteria: Invitae Variant Classification Sherloc (09022015). Collection method: clinical testing. Allele origin: germline.
Comment: This sequence change falls in intron 18 of the CACNA1S gene. It does not directly change the encoded amino acid sequence of the CACNA1S protein. It affects a nucleotide within the consensus splice site. This variant is present in population databases (rs369813191, gnomAD 0.1%). This variant has not been reported in the literature in individuals affected with CACNA1S-related conditions. ClinVar contains an entry for this variant (Variation ID: 646258). Variants that disrupt the consensus splice site are a relatively common cause of aberrant splicing (PMID: 17576681, 9536098). Algorithms developed to predict the effect of sequence changes on RNA splicing suggest that this variant is not likely to affect RNA splicing. In summary, the available evidence is currently insufficient to determine the role of this variant in disease. Therefore, it has been classified as a Variant of Uncertain Significance.

Color Diagnostics, LLC DBA Color Health
Classification: Likely benign for Malignant hyperthermia, susceptibility to, 5. Last evaluated: 2024-02-22. Review status: criteria provided, single submitter. Criteria: ACMG Guidelines, 2015. Collection method: clinical testing. Allele origin: germline.

GeneDx
Classification: Likely benign. Last evaluated: 2018-04-19. Review status: criteria provided, single submitter. Criteria: GeneDx Variant Classification (06012015). Collection method: clinical testing. Allele origin: germline. Affected: yes.
Comment: This variant is considered likely benign or benign based on one or more of the following criteria: it is a conservative change, it occurs at a poorly conserved position in the protein, it is predicted to be benign by multiple in silico algorithms, and/or has population frequency not consistent with disease.

PreventionGenetics, part of Exact Sciences
Classification: Likely benign for CACNA1S-related condition. Last evaluated: 2022-09-15. Review status: no assertion criteria provided. Collection method: clinical testing. Allele origin: germline. Not counted in ClinVar's aggregate classification.
Comment: This variant is classified as likely benign based on ACMG/AMP sequence variant interpretation guidelines (Richards et al. 2015 PMID: 25741868, with internal and published modifications).

Literature cited by the submitters: PubMed 17576681 (cited by Labcorp Genetics (formerly Invitae), Labcorp); PubMed 9536098 (cited by Labcorp Genetics (formerly Invitae), Labcorp).

NM_000069.3(CACNA1S):c.2490+5C>T

Gene: CACNA1S (calcium voltage-gated channel subunit alpha1 S; minus strand). Cytogenetic location: 1q32.1.
Variant type: single nucleotide variant.
Coding change: c.2490+5C>T on transcript NM_000069.3 (MANE Select); 5 bases into the intron after coding-DNA position 2490, C replaced by T.
Molecular consequence: intron variant.
Genome position (GRCh38, 1-based): chr1:201,069,467, G>A on the plus strand (C>T on the coding strand, the complement: CACNA1S is on the minus strand). VCF-style: chr1-201069467-G-A. GRCh37 (hg19) VCF-style: chr1-201038595-G-A.
Identifiers: ClinVar variation 646258 (VCV000646258.14), dbSNP rs369813191, ClinGen allele CA079021.